The following is an entry in ClinVar:

NM_003743.5(NCOA1):c.3707-3C>A

Gene: NCOA1 (nuclear receptor coactivator 1; plus strand). Cytogenetic location: 2p23.3.
Variant type: single nucleotide variant.
Coding change: c.3707-3C>A on transcript NM_003743.5 (MANE Select); 3 bases into the intron before coding-DNA position 3707, C replaced by A.
Molecular consequence: intron variant.
Genome position (GRCh38, 1-based): chr2:24,751,979, C>A. VCF-style: chr2-24751979-C-A. GRCh37 (hg19) VCF-style: chr2-24974848-C-A.
Other names: c.3707-3C>A (NM_001362950.1, NM_147223.3, NM_001362955.1 and 3 more transcripts).
Identifiers: ClinVar variation 4990816 (VCV004990816.1).

ClinVar aggregate classification (germline): Uncertain significance (1 of 4 stars; one submission).

Conditions:
NCOA1-related disorder. Also called: NCOA1-related condition.

Submission:

PreventionGenetics, part of Exact Sciences
Classification: Uncertain significance for NCOA1-related condition. Last evaluated: 2024-10-11. Review status: criteria provided, single submitter. Criteria: ACMG Guidelines, 2015. Collection method: clinical testing. Allele origin: germline.
Comment: The NCOA1 c.3707-3C>A variant is predicted to interfere with splicing. This variant is predicted to impact splicing by available splicing prediction programs (SpliceAI, Jaganathan et al. 2019. PubMed ID: 30661751). To our knowledge, this variant has not been reported in the literature or in a large population database (gnomAD), indicating this variant is rare. At this time, the clinical significance of this variant is uncertain due to the absence of conclusive functional and genetic evidence.